The following is an entry in ClinVar:

ClinVar aggregate classification (germline): Uncertain significance. Review status: criteria provided, multiple submitters, no conflicts (2 of 4 stars). 2 submissions from 2 submitters: Uncertain significance (2). Last evaluated 2026-04-29.

Conditions:
Charcot-Marie-Tooth disease type 4. Also called: Charcot-Marie-Tooth disease, type IV; Charcot-Marie-Tooth, Type 4. Identifiers: Orphanet 64749, MedGen C4082197, MONDO:0018995.
PRX-related disorder. Also called: PRX-related condition; PRX-Related Disorders.

Allele frequency attached by ClinVar (database versions not stated): gnomAD 0.00004; TOPMed 0.00006; ESP Exome Variant Server 0.00023.
gnomAD v4.1: 18 of 1,614,094 alleles (0.0011%); highest among the groups gnomAD compares: African/African-American, 0.0053%; no homozygotes.

Submissions (2):

PreventionGenetics, part of Exact Sciences
Classification: Uncertain significance for PRX-related condition. Last evaluated: 2026-04-29. Review status: criteria provided, single submitter. Criteria: ACMG Guidelines, 2015. Collection method: clinical testing. Allele origin: germline.
Comment: The PRX c.2260C>T variant is predicted to result in the amino acid substitution p.Arg754Trp. To our knowledge, this variant has not been reported in the literature. This variant is reported in 0.0047% of alleles in individuals of European (non-Finnish) descent in gnomAD. At this time, the clinical significance of this variant is uncertain due to the absence of conclusive functional and genetic evidence.

Labcorp Genetics (formerly Invitae), Labcorp
Classification: Uncertain significance for Charcot-Marie-Tooth disease type 4. Last evaluated: 2021-08-28. Review status: criteria provided, single submitter. Criteria: Invitae Variant Classification Sherloc (09022015). Collection method: clinical testing. Allele origin: germline.
Comment: This sequence change replaces arginine with tryptophan at codon 754 of the PRX protein (p.Arg754Trp). The arginine residue is moderately conserved and there is a moderate physicochemical difference between arginine and tryptophan. This variant is present in population databases (rs372473354, ExAC 0.01%). This variant has not been reported in the literature in individuals affected with PRX-related conditions. Algorithms developed to predict the effect of missense changes on protein structure and function are either unavailable or do not agree on the potential impact of this missense change (SIFT: "Deleterious"; PolyPhen-2: "Possibly Damaging"; Align-GVGD: "Class C0"). In summary, the available evidence is currently insufficient to determine the role of this variant in disease. Therefore, it has been classified as a Variant of Uncertain Significance.

NM_181882.3(PRX):c.2260C>T (p.Arg754Trp)

Gene: PRX (periaxin; minus strand). Cytogenetic location: 19q13.2.
Variant type: single nucleotide variant.
Coding change: c.2260C>T on transcript NM_181882.3 (MANE Select); coding-DNA position 2260, C replaced by T.
Protein change: p.Arg754Trp; replaces arginine 754 with tryptophan.
Molecular consequence: missense variant. On other transcripts: 3 prime UTR variant (1).
Genome position (GRCh38, 1-based): chr19:40,396,092, G>A on the plus strand (C>T on the coding strand, the complement: PRX is on the minus strand). VCF-style: chr19-40396092-G-A. GRCh37 (hg19) VCF-style: chr19-40901999-G-A.
Other names: c.*2465C>T (NM_020956.2); short protein forms R754W.
Identifiers: ClinVar variation 856958 (VCV000856958.8), dbSNP rs372473354, ClinGen allele CA9444096.
Genomic context (GRCh38, chr19:40,396,092, plus strand): 5'-CCTCTGGTGCCTTCGGAAGATGCACGTCGGGAACCTTCGGCACTTGCATTTCCGGCAGCC[G>A]AATCTCTGACACTTTCGGCAGCTGCACCTCGGGGAGGTGCACATCGGGCACAGCCATCTC-3'
Protein context (NP_870998.2, residues 744-764): EVQLPKVSEI[Arg754Trp]LPEMQVPKVP